The following is an entry in ClinVar:

NM_052854.4(CREB3L1):c.820G>T (p.Gly274Cys)

Gene: CREB3L1 (cAMP responsive element binding protein 3 like 1; plus strand). Cytogenetic location: 11p11.2.
Variant type: single nucleotide variant.
Coding change: c.820G>T on transcript NM_052854.4 (MANE Select); coding-DNA position 820, G replaced by T.
Protein change: p.Gly274Cys; replaces glycine 274 with cysteine.
Molecular consequence: missense variant.
Genome position (GRCh38, 1-based): chr11:46,312,391, G>T. VCF-style: chr11-46312391-G-T. GRCh37 (hg19) VCF-style: chr11-46333942-G-T.
Other names: short protein forms G274C.
Identifiers: ClinVar variation 2101206 (VCV002101206.4), dbSNP rs1939499036, ClinGen allele CA380221596.

ClinVar aggregate classification (germline): Uncertain significance (1 of 4 stars; one submission).

Submission:

Labcorp Genetics (formerly Invitae), Labcorp
Classification: Uncertain significance. Last evaluated: 2024-10-28. Review status: criteria provided, single submitter. Criteria: Invitae Variant Classification Sherloc (09022015). Collection method: clinical testing. Allele origin: germline.
Comment: This sequence change replaces glycine, which is neutral and non-polar, with cysteine, which is neutral and slightly polar, at codon 274 of the CREB3L1 protein (p.Gly274Cys). This variant is not present in population databases (gnomAD no frequency). This variant has not been reported in the literature in individuals affected with CREB3L1-related conditions. ClinVar contains an entry for this variant (Variation ID: 2101206). An algorithm developed to predict the effect of missense changes on protein structure and function (PolyPhen-2) suggests that this variant is likely to be disruptive. In summary, the available evidence is currently insufficient to determine the role of this variant in disease. Therefore, it has been classified as a Variant of Uncertain Significance.